The following is an entry in ClinVar:

ClinVar aggregate classification (germline): Likely pathogenic (1 of 4 stars; one submission).

Submission:

GeneDx
Classification: Likely pathogenic. Last evaluated: 2018-04-19. Review status: criteria provided, single submitter. Criteria: GeneDx Variant Classification (06012015). Collection method: clinical testing. Allele origin: germline. Affected: yes.
Comment: The c.820delCins33 variant in the RELN gene has not been reported previously as a pathogenic variant nor as a benign variant, to our knowledge. The c.820delCins33 variant causes a frameshift starting with codon Arginine 274, changes this amino acid to a Tyrosine residue, and creates a premature Stop codon at position 35 of the new reading frame, denoted p.Arg274TyrfsX35. This variant is predicted to cause loss of normal protein function either through protein truncation or nonsense-mediated mRNA decay. The c.820delCins33 variant is not observed in large population cohorts (Lek et al., 2016). We interpret c.820delCins33 as a likely pathogenic variant.

NM_005045.4(RELN):c.820delinsTATTCAGACCCCAGCTTTAGTTATTCAGGGTCA (p.Arg274fs)

Gene: RELN (reelin; minus strand). Cytogenetic location: 7q22.1.
Variant type: Indel.
Coding change: c.820delinsTATTCAGACCCCAGCTTTAGTTATTCAGGGTCA on transcript NM_005045.4 (MANE Select); coding-DNA position 820, the reference bases replaced by an inserted sequence.
Protein change: p.Arg274fs; shifts the reading frame from arginine 274.
Molecular consequence: frameshift variant.
Genome position (GRCh38, 1-based): chr7:103,700,992, one base replaced. GRCh37 (hg19), VCF-style position (the base before the change): chr7:103,341,439.
Other names: c.820delinsTATTCAGACCCCAGCTTTAGTTATTCAGGGTCA, p.Arg274fs (NM_173054.3); short protein forms R274fs.
Identifiers: ClinVar variation 524138 (VCV000524138.2), dbSNP rs1554404337, ClinGen allele CA658796987.